The following is an entry in ClinVar:

NM_000020.3(ACVRL1):c.852_853del (p.Tyr286fs)

Gene: ACVRL1 (activin A receptor like type 1; plus strand). Cytogenetic location: 12q13.13.
Variant type: Deletion.
Coding change: c.852_853del on transcript NM_000020.3 (MANE Select); coding-DNA positions 852 to 853, 2 bases deleted (CC; older notation c.852_853delCC).
Protein change: p.Tyr286fs; shifts the reading frame from tyrosine 286.
Molecular consequence: frameshift variant.
Genome position (GRCh38, 1-based): chr12:51,915,304-51,915,305, CC deleted; deleting any 2 consecutive bases within chr12:51,915,303-51,915,305 gives the same sequence; the c. name uses the placement nearest the transcript's 3' end. VCF-style (leftmost placement, unchanged base first): chr12-51915302-TCC-T. GRCh37 (hg19) VCF-style: chr12-52309086-TCC-T.
Other names: c.852_853del, p.Tyr286fs (NM_001406487.1, NM_001406488.1, NM_001406489.1 and 1 more transcripts); c.540_541del, p.Tyr182fs (NM_001406490.1, NM_001406491.1, NM_001406492.1 and 2 more transcripts); c.288_289del, p.Tyr98fs (NM_001406495.1); short protein forms Y182fs, Y286fs, Y98fs.
Identifiers: ClinVar variation 3076067 (VCV003076067.1), dbSNP rs2540164275, ClinGen allele CA2825002088.

ClinVar aggregate classification (germline): Likely pathogenic (1 of 4 stars; one submission).

Conditions:
Hereditary hemorrhagic telangiectasia (HHT). Also called: Osler hemorrhagic telangiectasia syndrome; ORW DISEASE; Osler Weber Rendu syndrome; OSLER-RENDU-WEBER DISEASE. Identifiers: Orphanet 774, MedGen C0039445, MONDO:0019180. Disease mechanism: loss of function.

Submission:

Laboratory for Molecular Medicine, Mass General Brigham Personalized Medicine
Classification: Likely pathogenic for Hereditary hemorrhagic telangiectasia. Last evaluated: 2018-04-02. Review status: criteria provided, single submitter. Criteria: ACMG Guidelines, 2015. Collection method: clinical testing. Allele origin: germline. Inheritance: Autosomal dominant inheritance.
Comment: The p.Tyr286fs variant in ACVRL1 has not been previously reported in individuals with hereditary hemorrhagic telangiectasia (HHT) and was absent from large population studies. This variant is predicted to cause a frameshift, which alters the protein’s amino acid sequence beginning at position 286 and leads to a premature termination codon 105 amino acids downstream. This alteration is then predicted to lead to a truncated or absent protein. In summary, although additional studies are required to fully establish its clinical significance, the p.Tyr286fs variant is likely pathogenic. ACMG/AMP Criteria applied: PVS1; PM2.